The following is an entry in ClinVar:

ClinVar aggregate classification (germline): Conflicting classifications of pathogenicity. Review status: criteria provided, conflicting classifications (1 of 4 stars). 2 submissions from 2 submitters: Uncertain significance (1); Likely benign (1). Last evaluated 2026-02-23.

Conditions:
SLCO1B3-related disorder. Also called: SLCO1B3-related condition.

Submissions (2):

PreventionGenetics, part of Exact Sciences
Classification: Uncertain significance for SLCO1B3-related condition. Last evaluated: 2026-02-23. Review status: criteria provided, single submitter. Criteria: ACMG Guidelines, 2015. Collection method: clinical testing. Allele origin: germline.
Comment: The SLCO1B3 c.1976C>T variant is predicted to result in the amino acid substitution p.Ser659Leu. To our knowledge, this variant has not been reported in the literature. This variant is reported in 0.017% of alleles in individuals of Latino descent in gnomAD. At this time, the clinical significance of this variant is uncertain due to the absence of conclusive functional and genetic evidence.

Ambry Genetics
Classification: Likely benign. Last evaluated: 2024-09-05. Review status: criteria provided, single submitter. Criteria: Ambry Variant Classification Scheme 2023. Collection method: clinical testing. Allele origin: germline.

NM_019844.4(SLCO1B3):c.1976C>T (p.Ser659Leu)

Genes: SLCO1B3 (solute carrier organic anion transporter family member 1B3; plus strand), SLCO1B3-SLCO1B7 (SLCO1B3-SLCO1B7 readthrough; plus strand). Cytogenetic location: 12p12.2.
Variant type: single nucleotide variant.
Coding change: c.1976C>T on transcript NM_019844.4 (MANE Select); coding-DNA position 1976, C replaced by T.
Protein change: p.Ser659Leu; replaces serine 659 with leucine.
Molecular consequence: missense variant. On other transcripts: intron variant (1).
Genome position (GRCh38, 1-based): chr12:20,916,114, C>T. VCF-style: chr12-20916114-C-T. GRCh37 (hg19) VCF-style: chr12-21069048-C-T.
Other names: c.1976C>T (NM_019844.3); c.1865+14647C>T (NM_001371097.1); c.1892C>T, p.Ser631Leu (NM_001349920.2); short protein forms S659L, S631L.
Identifiers: ClinVar variation 3445336 (VCV003445336.2).
Genomic context (GRCh38, chr12:20,916,114, plus strand): 5'-TATATATTGTTTTCATTTTTGCTATGAAGAAAAAATTTCAAGGAAAAGATACCAAGGCAT[C>T]GGACAATGAAAGAAAAGTAATGGATGAAGCAAACTTAGAATTCTTAAATAATGGTGAACA-3'
Protein context (NP_062818.1, residues 649-669): KKFQGKDTKA[Ser659Leu]DNERKVMDEA